The following is an entry in ClinVar:

NM_031407.7(HUWE1):c.9357C>T (p.Ser3119=)

Gene: HUWE1 (HECT, UBA and WWE domain containing E3 ubiquitin protein ligase 1; minus strand). Cytogenetic location: Xp11.22.
Variant type: single nucleotide variant.
Coding change: c.9357C>T on transcript NM_031407.7 (MANE Select); coding-DNA position 9357, C replaced by T.
Protein change: p.Ser3119=; no amino-acid change (serine 3119 retained).
Molecular consequence: synonymous variant.
Genome position (GRCh38, 1-based): chrX:53,550,929, G>A on the plus strand (C>T on the coding strand, the complement: HUWE1 is on the minus strand). VCF-style: chrX-53550929-G-A. GRCh37 (hg19) VCF-style: chrX-53577890-G-A.
Other names: c.9357C>T (NM_031407.6).
Identifiers: ClinVar variation 1326517 (VCV001326517.8), dbSNP rs143862848, ClinGen allele CA10421689.

ClinVar aggregate classification (germline): Benign. Review status: criteria provided, multiple submitters, no conflicts (2 of 4 stars). 3 submissions from 3 submitters: Benign (2). 1 of the submissions does not count toward it. Last evaluated 2025-04-28.

Conditions:
HUWE1-related disorder. Also called: HUWE1-related condition.

Allele frequency attached by ClinVar (database versions not stated): gnomAD 0.00005 and 0.00007; ESP Exome Variant Server 0.00009; TOPMed 0.00015; gnomAD exomes 0.00024; ExAC 0.00026.
gnomAD v4.1: 83 of 1,210,076 alleles (0.0069%); highest among the groups gnomAD compares: Admixed American, 0.061%; 1 homozygote.

Submissions (3):

Labcorp Genetics (formerly Invitae), Labcorp
Classification: Benign. Last evaluated: 2025-04-28. Review status: criteria provided, single submitter. Criteria: Invitae Variant Classification Sherloc (09022015). Collection method: clinical testing. Allele origin: germline.

GeneDx
Classification: Benign. Last evaluated: 2021-11-29. Review status: criteria provided, single submitter. Criteria: GeneDx Variant Classification Process June 2021. Collection method: clinical testing. Allele origin: germline. Affected: yes.

PreventionGenetics, part of Exact Sciences
Classification: Likely benign for HUWE1-related condition. Last evaluated: 2020-02-24. Review status: no assertion criteria provided. Collection method: clinical testing. Allele origin: germline. Not counted in ClinVar's aggregate classification.
Comment: This variant is classified as likely benign based on ACMG/AMP sequence variant interpretation guidelines (Richards et al. 2015 PMID: 25741868, with internal and published modifications).